The following is an entry in ClinVar:

NM_000092.5(COL4A4):c.472G>A (p.Gly158Ser)

Gene: COL4A4 (collagen type IV alpha 4 chain; minus strand). Cytogenetic location: 2q36.3.
Variant type: single nucleotide variant.
Coding change: c.472G>A on transcript NM_000092.5 (MANE Select); coding-DNA position 472, G replaced by A.
Protein change: p.Gly158Ser; replaces glycine 158 with serine.
Molecular consequence: missense variant.
Genome position (GRCh38, 1-based): chr2:227,118,662, C>T on the plus strand (G>A on the coding strand, the complement: COL4A4 is on the minus strand). VCF-style: chr2-227118662-C-T. GRCh37 (hg19) VCF-style: chr2-227983378-C-T.
Other names: short protein forms G158S.
Identifiers: ClinVar variation 5004600 (VCV005004600.1).

ClinVar aggregate classification (germline): Uncertain significance (1 of 4 stars; one submission).

Conditions:
Alport syndrome. Also called: Hemorrhagic familial nephritis; Hemorrhagic hereditary nephritis; Congenital hereditary hematuria. Identifiers: Orphanet 63, MedGen C1567741, MONDO:0018965.

Submission:

Myriad Genetics, Inc.
Classification: Uncertain significance for Alport syndrome. Last evaluated: 2026-04-16. Review status: criteria provided, single submitter. Criteria: Myriad Autosomal Dominant, Autosomal Recessive and X-Linked Classification Criteria (2023). Collection method: clinical testing. Allele origin: unknown.
Comment: NM_000092.4(COL4A4):c.472G>A(G158S) is a missense variant classified as a variant of uncertain significance in the context of Alport syndrome, COL4A4-related. G158S has not been observed in cases with relevant disease. Relevant functional assessments of this variant are not available in the literature. G158S has not been observed in referenced population frequency databases. In summary, there is insufficient evidence to classify NM_000092.4(COL4A4):c.472G>A(G158S) as pathogenic or benign. Please note: this variant was assessed in the context of healthy population screening.